The following is an entry in ClinVar:

NM_021939.4(FKBP10):c.1619_1623delinsT (p.Gly540fs)

Gene: FKBP10 (FKBP prolyl isomerase 10; plus strand). Cytogenetic location: 17q21.2.
Variant type: Indel.
Coding change: c.1619_1623delinsT on transcript NM_021939.4 (MANE Select); coding-DNA positions 1619 to 1623, GGCAG replaced by T.
Protein change: p.Gly540fs; shifts the reading frame from glycine 540.
Molecular consequence: frameshift variant.
Genome position (GRCh38, 1-based): chr17:41,822,278-41,822,282, GGCAG replaced by T. VCF-style: chr17-41822278-GGCAG-T. GRCh37 (hg19) VCF-style: chr17-39978530-GGCAG-T.
Other names: c.1619_1623delGGCAGinsT (NM_021939.4); short protein forms G540fs.
Identifiers: ClinVar variation 3234921 (VCV003234921.1), dbSNP rs2544446785, ClinGen allele CA2825002504.
Genomic context (GRCh38, chr17:41,822,278, plus strand): 5'-CCCAGTTCTCCACCTTCATCAAGGCTCAAGTGAGTGAGGGCAAAGGACGCCTCATGCCTG[GGCAG>T]GACCCTGAGAAAACCATAGGAGACATGTTCCAGAACCAGGACCGCAACCAGGACGGCAAG-3'

ClinVar aggregate classification (germline): Likely pathogenic (1 of 4 stars; one submission).

Conditions:
Osteogenesis imperfecta type 11. Also called: OI, TYPE XI; Osteogenesis imperfecta, type XI. Identifiers: Orphanet 666, MedGen C3151218, MONDO:0012592, OMIM 610968.

Submission:

Neuberg Centre For Genomic Medicine, NCGM
Classification: Likely pathogenic for Osteogenesis imperfecta type 11. Review status: criteria provided, single submitter. Criteria: ACMG Guidelines, 2015. Collection method: clinical testing. Allele origin: germline. Inheritance: Autosomal recessive inheritance. Affected: yes.
Comment: The frame shift c.1619_1623delGGCAGinsT p.Gly540ValfsTer7 variant in the FKBP10 gene has not been reported previously as a pathogenic variant nor as a benign variant, to our knowledge. This variant is reported with the allele frequency 0.0003% in the gnomAD Exomes and novel in 1000 Genomes. This is a multinucleotide variant and so sanger sequencing is required to confirm the nomenclature. For these reasons, this variant has been classified as Likely Pathogenic.